The following is an entry in ClinVar:

ClinVar aggregate classification (germline): Uncertain significance (1 of 4 stars; one submission).

Conditions:
Hereditary cancer-predisposing syndrome. Also called: Neoplastic Syndromes, Hereditary; Tumor predisposition; Hereditary Cancer Syndrome; Hereditary neoplastic syndrome. Identifiers: Orphanet 140162, MedGen C0027672, MeSH D009386, MONDO:0015356.

Submission:

Ambry Genetics
Classification: Uncertain significance for Hereditary cancer-predisposing syndrome. Last evaluated: 2024-08-26. Review status: criteria provided, single submitter. Criteria: Ambry Variant Classification Scheme 2023. Collection method: clinical testing. Allele origin: germline.
Comment: The p.H397Q variant (also known as c.1191C>A), located in coding exon 8 of the RAD50 gene, results from a C to A substitution at nucleotide position 1191. The histidine at codon 397 is replaced by glutamine, an amino acid with highly similar properties. This amino acid position is conserved. In addition, this alteration is predicted to be tolerated by in silico analysis. Based on the available evidence, the clinical significance of this variant remains unclear.

NM_005732.4(RAD50):c.1191C>A (p.His397Gln)

Gene: RAD50 (RAD50 double strand break repair protein; plus strand). Cytogenetic location: 5q31.1.
Variant type: single nucleotide variant.
Coding change: c.1191C>A on transcript NM_005732.4 (MANE Select); coding-DNA position 1191, C replaced by A.
Protein change: p.His397Gln; replaces histidine 397 with glutamine.
Molecular consequence: missense variant.
Genome position (GRCh38, 1-based): chr5:132,588,826, C>A. VCF-style: chr5-132588826-C-A. GRCh37 (hg19) VCF-style: chr5-131924518-C-A.
Other names: short protein forms H397Q.
Identifiers: ClinVar variation 3429491 (VCV003429491.1).